The following is an entry in ClinVar:

ClinVar aggregate classification (germline): Uncertain significance. Review status: criteria provided, multiple submitters, no conflicts (2 of 4 stars). 2 submissions from 2 submitters: Uncertain significance (2). Last evaluated 2026-01-16.

Conditions:
Hereditary cancer-predisposing syndrome. Also called: Tumor predisposition; Neoplastic Syndromes, Hereditary; Hereditary Cancer Syndrome; Hereditary neoplastic syndrome. Identifiers: Orphanet 140162, MedGen C0027672, MeSH D009386, MONDO:0015356.
Bloom syndrome (BLM). Also called: Bloom-Torre-Machacek syndrome. Identifiers: Orphanet 125, MedGen C0005859, MONDO:0008876, OMIM 210900.

Allele frequency attached by ClinVar (database versions not stated): gnomAD exomes below 0.00001.

Submissions (2):

Ambry Genetics
Classification: Uncertain significance for Hereditary cancer-predisposing syndrome. Last evaluated: 2026-01-16. Review status: criteria provided, single submitter. Criteria: Ambry Variant Classification Scheme 2023. Collection method: clinical testing. Allele origin: germline.
Comment: The p.A529T variant (also known as c.1585G>A), located in coding exon 6 of the BLM gene, results from a G to A substitution at nucleotide position 1585. The alanine at codon 529 is replaced by threonine, an amino acid with similar properties. This amino acid position is conserved. In addition, this alteration is predicted to be tolerated by in silico analysis. Based on the available evidence, the clinical significance of this variant remains unclear.

Labcorp Genetics (formerly Invitae), Labcorp
Classification: Uncertain significance for Bloom syndrome. Last evaluated: 2023-12-06. Review status: criteria provided, single submitter. Criteria: Invitae Variant Classification Sherloc (09022015). Collection method: clinical testing. Allele origin: germline.
Comment: This sequence change replaces alanine, which is neutral and non-polar, with threonine, which is neutral and polar, at codon 529 of the BLM protein (p.Ala529Thr). This variant is not present in population databases (gnomAD no frequency). This variant has not been reported in the literature in individuals affected with BLM-related conditions. Advanced modeling of protein sequence and biophysical properties (such as structural, functional, and spatial information, amino acid conservation, physicochemical variation, residue mobility, and thermodynamic stability) performed at Invitae indicates that this missense variant is not expected to disrupt BLM protein function with a negative predictive value of 80%. In summary, the available evidence is currently insufficient to determine the role of this variant in disease. Therefore, it has been classified as a Variant of Uncertain Significance.

NM_000057.4(BLM):c.1585G>A (p.Ala529Thr)

Gene: BLM (BLM RecQ like helicase; plus strand). Cytogenetic location: 15q26.1.
Variant type: single nucleotide variant.
Coding change: c.1585G>A on transcript NM_000057.4 (MANE Select); coding-DNA position 1585, G replaced by A.
Protein change: p.Ala529Thr; replaces alanine 529 with threonine.
Molecular consequence: missense variant.
Genome position (GRCh38, 1-based): chr15:90,760,958, G>A. VCF-style: chr15-90760958-G-A. GRCh37 (hg19) VCF-style: chr15-91304188-G-A.
Other names: c.1585G>A, p.Ala529Thr (NM_001287246.2, NM_001287247.2); c.460G>A, p.Ala154Thr (NM_001287248.2); short protein forms A154T, A529T.
Identifiers: ClinVar variation 2819523 (VCV002819523.4), dbSNP rs2151158547, ClinGen allele CA393843380.
Genomic context (GRCh38, chr15:90,760,958, plus strand): 5'-CCAAGACTAGGAAAAAAAAATGAAAGCTCTTATTTCCCAGGAAATGTTCTCACAAGCACT[G>A]CTGTGAAAGATCAGAATAAACATACTGCTTCAATAAATGACTTAGAAAGAGAAACCCAAC-3'
Protein context (NP_000048.1, residues 519-539): YFPGNVLTST[Ala529Thr]VKDQNKHTAS